The following is an entry in ClinVar:

NM_006593.4(TBR1):c.869C>T (p.Pro290Leu)

Gene: TBR1 (T-box brain transcription factor 1; plus strand). Cytogenetic location: 2q24.2.
Variant type: single nucleotide variant.
Coding change: c.869C>T on transcript NM_006593.4 (MANE Select); coding-DNA position 869, C replaced by T.
Protein change: p.Pro290Leu; replaces proline 290 with leucine.
Molecular consequence: missense variant.
Genome position (GRCh38, 1-based): chr2:161,418,222, C>T. VCF-style: chr2-161418222-C-T. GRCh37 (hg19) VCF-style: chr2-162274733-C-T.
Other names: short protein forms P290L.
Identifiers: ClinVar variation 2446327 (VCV002446327.2), dbSNP rs2468092614, ClinGen allele CA349212409.

ClinVar aggregate classification (germline): Uncertain significance (1 of 4 stars; one submission).

Allele frequency attached by ClinVar (database versions not stated): gnomAD exomes below 0.00001.
gnomAD v4.1: 1 of 1,613,222 alleles (0.000062%); highest among the groups gnomAD compares: Non-Finnish European, 0.000085%; no homozygotes.

Submission:

GeneDx
Classification: Uncertain significance. Last evaluated: 2025-01-15. Review status: criteria provided, single submitter. Criteria: GeneDx Variant Classification Process June 2021. Collection method: clinical testing. Allele origin: germline.
Comment: Not observed at significant frequency in large population cohorts (gnomAD); In silico analysis supports that this missense variant has a deleterious effect on protein structure/function; Has not been previously published as pathogenic or benign to our knowledge